The following is an entry in ClinVar:

ClinVar aggregate classification (germline): Uncertain significance (1 of 4 stars; one submission).

Conditions:
Idiopathic generalized epilepsy. Also called: EIG; Generalised epilepsy. Identifiers: MedGen C0270850, MONDO:0005579, OMIM 600669.

Submission:

Labcorp Genetics (formerly Invitae), Labcorp
Classification: Uncertain significance for Idiopathic generalized epilepsy. Last evaluated: 2022-10-13. Review status: criteria provided, single submitter. Criteria: Invitae Variant Classification Sherloc (09022015). Collection method: clinical testing. Allele origin: germline.
Comment: In summary, the available evidence is currently insufficient to determine the role of this variant in disease. Therefore, it has been classified as a Variant of Uncertain Significance. This variant has not been reported in the literature in individuals affected with RBFOX1-related conditions. This variant is a gross deletion of the genomic region encompassing exon(s) 9 of the RBFOX1 gene. This deletion is out-of-frame, and is expected to create a premature translational stop signal and result in an absent or disrupted protein product. However, the current clinical and genetic evidence is not sufficient to establish whether loss-of-function variants in RBFOX1 cause disease.

NC_000016.10:g.(?_7653795)_(7664988_?)del

Gene: RBFOX1 (RNA binding fox-1 homolog 1; plus strand). Cytogenetic location: 16p13.3.
Variant type: Deletion.
Identifiers: ClinVar variation 830723 (VCV000830723.8).